The following is an entry in ClinVar:

ClinVar aggregate classification (germline): Uncertain significance (1 of 4 stars; one submission).

gnomAD v4.1: 14 of 1,613,848 alleles (0.00087%); highest among the groups gnomAD compares: Non-Finnish European, 0.0012%; no homozygotes.

Submission:

Labcorp Genetics (formerly Invitae), Labcorp
Classification: Uncertain significance. Last evaluated: 2025-10-13. Review status: criteria provided, single submitter. Criteria: Invitae Variant Classification Sherloc (09022015). Collection method: clinical testing. Allele origin: germline.
Comment: This sequence change replaces methionine, which is neutral and non-polar, with leucine, which is neutral and non-polar, at codon 676 of the ABCB4 protein (p.Met676Leu). This variant is present in population databases (rs755788303, gnomAD 0.002%). This variant has not been reported in the literature in individuals affected with ABCB4-related conditions. ClinVar contains an entry for this variant (Variation ID: 3717602). Invitae Evidence Modeling of protein sequence and biophysical properties (such as structural, functional, and spatial information, amino acid conservation, physicochemical variation, residue mobility, and thermodynamic stability) indicates that this missense variant is not expected to disrupt ABCB4 protein function with a negative predictive value of 80%. In summary, the available evidence is currently insufficient to determine the role of this variant in disease. Therefore, it has been classified as a Variant of Uncertain Significance.

NM_000443.4(ABCB4):c.2026A>T (p.Met676Leu)

Gene: ABCB4 (ATP binding cassette subfamily B member 4; minus strand). Cytogenetic location: 7q21.12.
Variant type: single nucleotide variant.
Coding change: c.2026A>T on transcript NM_000443.4 (MANE Select); coding-DNA position 2026, A replaced by T.
Protein change: p.Met676Leu; replaces methionine 676 with leucine.
Molecular consequence: missense variant.
Genome position (GRCh38, 1-based): chr7:87,426,788, T>A on the plus strand (A>T on the coding strand, the complement: ABCB4 is on the minus strand). VCF-style: chr7-87426788-T-A. GRCh37 (hg19) VCF-style: chr7-87056104-T-A.
Other names: c.2026A>T, p.Met676Leu (NM_018849.3, NM_018850.3); short protein forms M676L.
Identifiers: ClinVar variation 3717602 (VCV003717602.2).